The following is an entry in ClinVar:

ClinVar aggregate classification (germline): Uncertain significance (1 of 4 stars; one submission).

Conditions:
Hereditary cancer-predisposing syndrome. Also called: Tumor predisposition; Hereditary Cancer Syndrome; Hereditary neoplastic syndrome; Neoplastic Syndromes, Hereditary. Identifiers: Orphanet 140162, MedGen C0027672, MeSH D009386, MONDO:0015356.

Submission:

Ambry Genetics
Classification: Uncertain significance for Hereditary cancer-predisposing syndrome. Last evaluated: 2023-07-27. Review status: criteria provided, single submitter. Criteria: Ambry Variant Classification Scheme 2023. Collection method: clinical testing. Allele origin: germline.
Comment: The p.N157S variant (also known as c.470A>G), located in coding exon 7 of the BAP1 gene, results from an A to G substitution at nucleotide position 470. The asparagine at codon 157 is replaced by serine, an amino acid with highly similar properties. This amino acid position is conserved. In addition, this alteration is predicted to be tolerated by in silico analysis. Since supporting evidence is limited at this time, the clinical significance of this alteration remains unclear.

NM_004656.4(BAP1):c.470A>G (p.Asn157Ser)

Gene: BAP1 (BRCA1 associated deubiquitinase 1; minus strand). Cytogenetic location: 3p21.1.
Variant type: single nucleotide variant.
Coding change: c.470A>G on transcript NM_004656.4 (MANE Select); coding-DNA position 470, A replaced by G.
Protein change: p.Asn157Ser; replaces asparagine 157 with serine.
Molecular consequence: missense variant.
Genome position (GRCh38, 1-based): chr3:52,407,284, T>C on the plus strand (A>G on the coding strand, the complement: BAP1 is on the minus strand). VCF-style: chr3-52407284-T-C. GRCh37 (hg19) VCF-style: chr3-52441300-T-C.
Other names: c.470A>G, p.Asn157Ser (NM_001410772.1); short protein forms N157S.
Identifiers: ClinVar variation 2626743 (VCV002626743.2), dbSNP rs2153227855, ClinGen allele CA353110227.